The following is an entry in ClinVar:

ClinVar aggregate classification (germline): Uncertain significance (1 of 4 stars; one submission).

Submission:

Labcorp Genetics (formerly Invitae), Labcorp
Classification: Uncertain significance. Last evaluated: 2025-04-07. Review status: criteria provided, single submitter. Criteria: Invitae Variant Classification Sherloc (09022015). Collection method: clinical testing. Allele origin: germline.
Comment: This sequence change replaces glycine, which is neutral and non-polar, with aspartic acid, which is acidic and polar, at codon 172 of the MFAP5 protein (p.Gly172Asp). This variant is not present in population databases (gnomAD no frequency). This variant has not been reported in the literature in individuals affected with MFAP5-related conditions. An algorithm developed to predict the effect of missense changes on protein structure and function (PolyPhen-2) suggests that this variant is likely to be disruptive. In summary, the available evidence is currently insufficient to determine the role of this variant in disease. Therefore, it has been classified as a Variant of Uncertain Significance.

NM_003480.4(MFAP5):c.515G>A (p.Gly172Asp)

Genes: MFAP5 (microfibril associated protein 5; minus strand), LOC126861443 (BRD4-independent group 4 enhancer GRCh37_chr12:8800473-8801672; plus strand). Cytogenetic location: 12p13.31.
Variant type: single nucleotide variant.
Coding change: c.515G>A on transcript NM_003480.4 (MANE Select); coding-DNA position 515, G replaced by A.
Protein change: p.Gly172Asp; replaces glycine 172 with aspartic acid.
Molecular consequence: missense variant. On other transcripts: non-coding transcript variant (2).
Genome position (GRCh38, 1-based): chr12:8,648,098, C>T on the plus strand (G>A on the coding strand, the complement: MFAP5 is on the minus strand). VCF-style: chr12-8648098-C-T. GRCh37 (hg19) VCF-style: chr12-8800694-C-T.
Other names: c.485G>A, p.Gly162Asp (NM_001297709.2); c.449G>A, p.Gly150Asp (NM_001297710.2); c.440G>A, p.Gly147Asp (NM_001297711.2); c.323G>A, p.Gly108Asp (NM_001297712.2); short protein forms G147D, G150D, G162D, G108D, G172D.
Identifiers: ClinVar variation 4716814 (VCV004716814.1).
Genomic context (GRCh38, chr12:8,648,098, plus strand): 5'-GATCCTCCTTCCTCTCACCCATACATTTTTTCTTCTTTCCTCTTTTTCAATGATCACAGA[C>T]CATTGGGTCTCTGCAAATCCACATTTTCACAGGGAGGAAGTCGGAAGTAATTGGAGCGAC-3'
Protein context (NP_003471.1, residues 162-173): CENVDLQRPN[Gly172Asp]L